The following is an entry in ClinVar:

NM_001035.3(RYR2):c.-7C>A

Gene: RYR2 (ryanodine receptor 2; plus strand). Cytogenetic location: 1q43.
Variant type: single nucleotide variant.
Coding change: c.-7C>A on transcript NM_001035.3 (MANE Select); 7 bases upstream of the start codon, C replaced by A.
Molecular consequence: 5 prime UTR variant.
Genome position (GRCh38, 1-based): chr1:237,042,515, C>A. VCF-style: chr1-237042515-C-A. GRCh37 (hg19) VCF-style: chr1-237205815-C-A.
Identifiers: ClinVar variation 918293 (VCV000918293.3), dbSNP rs1660031623, ClinGen allele CA1139656668.

ClinVar aggregate classification (germline): Uncertain significance (1 of 4 stars; one submission).

Conditions:
Cardiomyopathy (CMYO). Also called: Cardiomyopathies. Identifiers: Orphanet 167848, MedGen C0878544, MONDO:0004994, HP:0001638. Inheritance: Various modes of inheritance.

Submission:

Color Diagnostics, LLC DBA Color Health
Classification: Uncertain significance for Cardiomyopathy. Last evaluated: 2019-09-30. Review status: criteria provided, single submitter. Criteria: ACMG Guidelines, 2015. Collection method: clinical testing. Allele origin: germline.
Comment: This variant changes 1 nucleotide in the . 5' untranslated region of the RYR2 gene. To our knowledge, functional studies have not been performed for this variant. This variant has not been reported in individuals affected with cardiovascular disorders in the literature. This variant has not been identified in the general population by the Genome Aggregation Database (gnomAD). The available evidence is insufficient to determine the role of this variant in disease conclusively. Therefore, this variant is classified as a Variant of Uncertain Significance.